The following is an entry in ClinVar:

ClinVar aggregate classification (germline): Pathogenic (1 of 4 stars; one submission).

Submission:

Labcorp Genetics (formerly Invitae), Labcorp
Classification: Pathogenic. Last evaluated: 2023-02-14. Review status: criteria provided, single submitter. Criteria: Invitae Variant Classification Sherloc (09022015). Collection method: clinical testing. Allele origin: germline.
Comment: For these reasons, this variant has been classified as Pathogenic. This variant has not been reported in the literature in individuals affected with LAMC3-related conditions. This variant is not present in population databases (gnomAD no frequency). This sequence change creates a premature translational stop signal (p.Leu36Cysfs*89) in the LAMC3 gene. It is expected to result in an absent or disrupted protein product. Loss-of-function variants in LAMC3 are known to be pathogenic (PMID: 21572413, 26802095).

Literature cited by the submitters: PubMed 21572413; PubMed 26802095.

NM_006059.4(LAMC3):c.106del (p.Leu36fs)

Gene: LAMC3 (laminin subunit gamma 3; plus strand). Cytogenetic location: 9q34.12.
Variant type: Deletion.
Coding change: c.106del on transcript NM_006059.4 (MANE Select); coding-DNA position 106, one base deleted (C; older notation c.106delC).
Protein change: p.Leu36fs; shifts the reading frame from leucine 36.
Molecular consequence: frameshift variant.
Genome position (GRCh38, 1-based): chr9:131,009,320, C deleted; the last of 2 consecutive C bases (chr9:131,009,319-131,009,320); deleting either gives the same sequence. VCF-style (leftmost placement, unchanged base first): chr9-131009318-GC-G. GRCh37 (hg19) VCF-style: chr9-133884705-GC-G.
Other names: short protein forms L36fs.
Identifiers: ClinVar variation 3003902 (VCV003003902.3), dbSNP rs2490641031, ClinGen allele CA2740092860.
Genomic context (GRCh38, chr9:131,009,318, plus strand): 5'-CGCGGGCGGCCGGCGCGGGCATGGGCGCGTGCTATGACGGCGCAGGGCGCCCGCAGCGCT[GC>G]CTGCCGGTGTTCGAGAACGCGGCGTTTGGGCGGCTCGCCCAGGCCTCGCACACGTGCGGC-3'